The following is an entry in ClinVar:

NM_017763.6(RNF43):c.688-3C>T

Gene: RNF43 (ring finger protein 43; minus strand). Cytogenetic location: 17q22.
Variant type: single nucleotide variant.
Coding change: c.688-3C>T on transcript NM_017763.6 (MANE Select); 3 bases into the intron before coding-DNA position 688, C replaced by T.
Molecular consequence: intron variant.
Genome position (GRCh38, 1-based): chr17:58,360,947, G>A on the plus strand (C>T on the coding strand, the complement: RNF43 is on the minus strand). VCF-style: chr17-58360947-G-A. GRCh37 (hg19) VCF-style: chr17-56438308-G-A.
Other names: p.?; c.688-3C>T (NM_001438822.1, NM_001305544.3, NM_001438820.1 and 3 more transcripts); c.307-3C>T (NM_001305545.2, NM_001437987.1).
Identifiers: ClinVar variation 1359066 (VCV001359066.11), dbSNP rs201176497, ClinGen allele CA8673320.

ClinVar aggregate classification (germline): Uncertain significance. Review status: criteria provided, multiple submitters, no conflicts (2 of 4 stars). 5 submissions from 5 submitters: Uncertain significance (5). Last evaluated 2025-05-11.

Conditions:
Sessile serrated polyposis cancer syndrome (SSPCS). Identifiers: Orphanet 157798, MedGen C4310714, MONDO:0014919, OMIM 617108.

Allele frequency attached by ClinVar (database versions not stated): gnomAD 0.00002 and 0.00003; TOPMed 0.00002; gnomAD exomes 0.00006; ExAC 0.00008; 1000 Genomes Project 30x 0.00016; 1000 Genomes Project 0.00020.
gnomAD v4.1: 43 of 1,559,762 alleles (0.0028%); highest among the groups gnomAD compares: Middle Eastern, 0.054%; no homozygotes.

Submissions (5):

Mayo Clinic Laboratories, Mayo Clinic
Classification: Uncertain significance. Last evaluated: 2025-05-11. Review status: criteria provided, single submitter. Criteria: ACMG Guidelines, 2015. Collection method: clinical testing. Allele origin: germline. Observed: 1 variant allele.
Comment: BP4

Ambry Genetics
Classification: Uncertain significance. Last evaluated: 2024-12-19. Review status: criteria provided, single submitter. Criteria: Ambry Variant Classification Scheme 2023. Collection method: clinical testing. Allele origin: germline.
Comment: The c.688-3C>T intronic variant results from a C to T substitution 3 nucleotides upstream from coding exon 6 in the RNF43 gene. This nucleotide position is well conserved in available vertebrate species. In silico splice site analysis predicts that this alteration will not have any significant effect on splicing. The evidence for this gene-disease relationship is limited; therefore, the clinical significance of this alteration is unclear.

GeneDx
Classification: Uncertain significance. Last evaluated: 2024-12-04. Review status: criteria provided, single submitter. Criteria: GeneDx Variant Classification Process June 2021. Collection method: clinical testing. Allele origin: germline.
Comment: In silico analysis supports that this variant does not alter splicing; Has not been previously published as pathogenic or benign to our knowledge

Fulgent Genetics
Classification: Uncertain significance for Sessile serrated polyposis cancer syndrome. Last evaluated: 2024-05-17. Review status: criteria provided, single submitter. Criteria: ACMG Guidelines, 2015. Collection method: clinical testing. Allele origin: germline.

Labcorp Genetics (formerly Invitae), Labcorp
Classification: Uncertain significance. Last evaluated: 2024-04-29. Review status: criteria provided, single submitter. Criteria: Invitae Variant Classification Sherloc (09022015). Collection method: clinical testing. Allele origin: germline.
Comment: This sequence change falls in intron 6 of the RNF43 gene. It does not directly change the encoded amino acid sequence of the RNF43 protein. It affects a nucleotide within the consensus splice site. This variant is present in population databases (rs201176497, gnomAD 0.02%). This variant has not been reported in the literature in individuals affected with RNF43-related conditions. ClinVar contains an entry for this variant (Variation ID: 1359066). Variants that disrupt the consensus splice site are a relatively common cause of aberrant splicing (PMID: 17576681, 9536098). Algorithms developed to predict the effect of sequence changes on RNA splicing suggest that this variant is not likely to affect RNA splicing. In summary, the available evidence is currently insufficient to determine the role of this variant in disease. Therefore, it has been classified as a Variant of Uncertain Significance.

Literature cited by the submitters: PubMed 17576681 (cited by Labcorp Genetics (formerly Invitae), Labcorp); PubMed 9536098 (cited by Labcorp Genetics (formerly Invitae), Labcorp).